The following is an entry in ClinVar:

NM_005343.4(HRAS):c.426C>G (p.Ile142Met)

Genes: HRAS (HRas proto-oncogene, GTPase; minus strand), LRRC56 (leucine rich repeat containing 56; plus strand). Cytogenetic location: 11p15.5.
Variant type: single nucleotide variant.
Coding change: c.426C>G on transcript NM_005343.4 (MANE Select); coding-DNA position 426, C replaced by G.
Protein change: p.Ile142Met; replaces isoleucine 142 with methionine.
Molecular consequence: missense variant.
Genome position (GRCh38, 1-based): chr11:533,477, G>C on the plus strand (C>G on the coding strand, the complement: HRAS is on the minus strand). VCF-style: chr11-533477-G-C. GRCh37 (hg19) VCF-style: chr11-533477-G-C.
Other names: c.426C>G, p.Ile142Met (NM_001130442.3, NM_176795.5); c.107C>G, p.Ser36Trp (NM_001318054.2); short protein forms S36W, I142M.
Identifiers: ClinVar variation 936167 (VCV000936167.12), dbSNP rs533567288, ClinGen allele CA5779312.

ClinVar aggregate classification (germline): Uncertain significance. Review status: criteria provided, multiple submitters, no conflicts (2 of 4 stars). 2 submissions from 2 submitters: Uncertain significance (2). Last evaluated 2026-02-02.

Conditions:
Cardiovascular phenotype. Identifiers: MedGen CN230736.
Costello syndrome (CSTLO). Also called: FACIOCUTANEOSKELETAL SYNDROME; HRAS-Related Costello Syndrome; FCS SYNDROME. Identifiers: Orphanet 3071, MedGen C0587248, MONDO:0009026, OMIM 218040.

Allele frequency attached by ClinVar (database versions not stated): TOPMed 0.00001.
gnomAD v4.1: 8 of 1,613,552 alleles (0.0005%); highest among the groups gnomAD compares: East Asian, 0.0022%; no homozygotes.

Submissions (2):

Labcorp Genetics (formerly Invitae), Labcorp
Classification: Uncertain significance for Costello syndrome. Last evaluated: 2026-02-02. Review status: criteria provided, single submitter. Criteria: Invitae Variant Classification Sherloc (09022015). Collection method: clinical testing. Allele origin: germline.
Comment: This sequence change replaces isoleucine, which is neutral and non-polar, with methionine, which is neutral and non-polar, at codon 142 of the HRAS protein (p.Ile142Met). This variant is present in population databases (rs533567288, gnomAD 0.003%). This variant has not been reported in the literature in individuals affected with HRAS-related conditions. ClinVar contains an entry for this variant (Variation ID: 936167). Invitae Evidence Modeling incorporating data from in vitro experimental studies (internal data) indicates that this missense variant is not expected to disrupt HRAS function with a negative predictive value of 95%. In summary, the available evidence is currently insufficient to determine the role of this variant in disease. Therefore, it has been classified as a Variant of Uncertain Significance.

Ambry Genetics
Classification: Uncertain significance for Cardiovascular phenotype. Last evaluated: 2021-08-19. Review status: criteria provided, single submitter. Criteria: Ambry Variant Classification Scheme 2023. Collection method: clinical testing. Allele origin: germline.
Comment: The p.I142M variant (also known as c.426C>G), located in coding exon 3 of the HRAS gene, results from a C to G substitution at nucleotide position 426. The isoleucine at codon 142 is replaced by methionine, an amino acid with highly similar properties. This amino acid position is conserved. In addition, this alteration is predicted to be tolerated by in silico analysis. Since supporting evidence is limited at this time, the clinical significance of this alteration remains unclear.